The following is an entry in ClinVar:

NM_000553.6(WRN):c.2366T>C (p.Leu789Pro)

Gene: WRN (WRN RecQ like helicase; plus strand). Cytogenetic location: 8p12.
Variant type: single nucleotide variant.
Coding change: c.2366T>C on transcript NM_000553.6 (MANE Select); coding-DNA position 2366, T replaced by C.
Protein change: p.Leu789Pro; replaces leucine 789 with proline.
Molecular consequence: missense variant.
Genome position (GRCh38, 1-based): chr8:31,116,446, T>C. VCF-style: chr8-31116446-T-C. GRCh37 (hg19) VCF-style: chr8-30973962-T-C.
Other names: short protein forms L789P.
Identifiers: ClinVar variation 665741 (VCV000665741.4), dbSNP rs767108016, ClinGen allele CA4704727.
Genomic context (GRCh38, chr8:31,116,446, plus strand): 5'-TCTACTGTCCTTCTAGAAAAATGACACAACAAGTTACAGGTGAACTTAGGAAACTGAATC[T>C]ATCCTGTGGAACATACCATGCGGGCATGAGTTTTAGCACAAGGAAAGACATTCATCATAG-3'
Protein context (NP_000544.2, residues 779-799): QVTGELRKLN[Leu789Pro]SCGTYHAGMS

ClinVar aggregate classification (germline): Uncertain significance (1 of 4 stars; one submission).

Conditions:
Werner syndrome (WRN). Identifiers: Orphanet 902, MedGen C0043119, MONDO:0010196, OMIM 277700.

Allele frequency attached by ClinVar (database versions not stated): gnomAD exomes below 0.00001; ExAC 0.00001.
gnomAD v4.1: 3 of 1,614,046 alleles (0.00019%); highest among the groups gnomAD compares: Non-Finnish European, 0.00025%; no homozygotes.

Submission:

Labcorp Genetics (formerly Invitae), Labcorp
Classification: Uncertain significance for Werner syndrome. Last evaluated: 2024-03-06. Review status: criteria provided, single submitter. Criteria: Invitae Variant Classification Sherloc (09022015). Collection method: clinical testing. Allele origin: germline.
Comment: This sequence change replaces leucine, which is neutral and non-polar, with proline, which is neutral and non-polar, at codon 789 of the WRN protein (p.Leu789Pro). This variant is present in population databases (rs767108016, gnomAD 0.0009%). This variant has not been reported in the literature in individuals affected with WRN-related conditions. ClinVar contains an entry for this variant (Variation ID: 665741). An algorithm developed to predict the effect of missense changes on protein structure and function (PolyPhen-2) suggests that this variant is likely to be disruptive. In summary, the available evidence is currently insufficient to determine the role of this variant in disease. Therefore, it has been classified as a Variant of Uncertain Significance.